The following is an entry in ClinVar:

NM_001127222.2(CACNA1A):c.2812G>C (p.Gly938Arg)

Gene: CACNA1A (calcium voltage-gated channel subunit alpha1 A; minus strand). Cytogenetic location: 19p13.13.
Variant type: single nucleotide variant.
Coding change: c.2812G>C on transcript NM_001127222.2 (MANE Select); coding-DNA position 2812, G replaced by C.
Protein change: p.Gly938Arg; replaces glycine 938 with arginine.
Molecular consequence: missense variant.
Genome position (GRCh38, 1-based): chr19:13,298,821, C>G on the plus strand (G>C on the coding strand, the complement: CACNA1A is on the minus strand). VCF-style: chr19-13298821-C-G. GRCh37 (hg19) VCF-style: chr19-13409635-C-G.
Other names: c.2824G>C, p.Gly942Arg (NM_000068.4, NM_023035.3); c.2815G>C, p.Gly939Arg (NM_001127221.2, NM_001174080.2); short protein forms G939R, G942R, G938R.
Identifiers: ClinVar variation 422044 (VCV000422044.13), dbSNP rs771423362, ClinGen allele CA9240470.

ClinVar aggregate classification (germline): Conflicting classifications of pathogenicity. Review status: criteria provided, conflicting classifications (1 of 4 stars). 3 submissions from 3 submitters: Uncertain significance (2); Likely benign (1). Last evaluated 2025-09-10.

Conditions:
Episodic ataxia type 2 (EA2). Also called: ATAXIA, EPISODIC, WITH NYSTAGMUS; ATAXIA, FAMILIAL PAROXYSMAL; CEREBELLAR ATAXIA, PAROXYSMAL, ACETAZOLAMIDE-RESPONSIVE; CEREBELLOPATHY, HEREDITARY PAROXYSMAL; EPISODIC ATAXIA, NYSTAGMUS-ASSOCIATED; ACETAZOLAMIDE-RESPONSIVE HEREDITARY PAROXYSMAL CEREBELLAR ATAXIA. Identifiers: Orphanet 97, MedGen C1720416, MONDO:0007163, OMIM 108500.
Developmental and epileptic encephalopathy, 42 (DEE42A). Also called: Epileptic encephalopathy, early infantile, 42; DEVELOPMENTAL AND EPILEPTIC ENCEPHALOPATHY 42A; EPILEPTIC ENCEPHALOPATHY, EARLY INFANTILE, 42A. Identifiers: MedGen C4310716, MONDO:0014917, OMIM 617106.

Allele frequency attached by ClinVar (database versions not stated): gnomAD exomes 0.00004 and 0.00018; TOPMed 0.00004; gnomAD 0.00005 and 0.00006; ExAC 0.00008.
gnomAD v4.1: 252 of 1,573,176 alleles (0.016%); highest among the groups gnomAD compares: Non-Finnish European, 0.021%; no homozygotes.

Submissions (3):

Labcorp Genetics (formerly Invitae), Labcorp
Classification: Likely benign for Developmental and epileptic encephalopathy, 42; Episodic ataxia type 2. Last evaluated: 2025-09-10. Review status: criteria provided, single submitter. Criteria: Invitae Variant Classification Sherloc (09022015). Collection method: clinical testing. Allele origin: germline.

Athena Diagnostics
Classification: Uncertain significance. Last evaluated: 2023-07-27. Review status: criteria provided, single submitter. Criteria: Athena Diagnostics Criteria. Collection method: clinical testing. Allele origin: unknown.
Comment: Available data are insufficient to determine the clinical significance of the variant at this time. The frequency of this variant in the general population is uninformative in assessment of its pathogenicity. This variant has been seen where an alternate explanation for disease was also identified, suggesting this variant may not cause disease. Computational tools predict that this variant is not damaging.

GeneDx
Classification: Uncertain significance. Last evaluated: 2019-05-13. Review status: criteria provided, single submitter. Criteria: GeneDx Variant Classification Process June 2021. Collection method: clinical testing. Allele origin: germline. Affected: yes.
Comment: In silico analysis, which includes protein predictors and evolutionary conservation, supports that this variant does not alter protein structure/function; Has not been previously published as pathogenic or benign to our knowledge; This variant is associated with the following publications: (PMID: 31719132)